The following is an entry in ClinVar:

NM_022552.5(DNMT3A):c.209C>T (p.Ala70Val)

Gene: DNMT3A (DNA methyltransferase 3 alpha; minus strand). Cytogenetic location: 2p23.3.
Variant type: single nucleotide variant.
Coding change: c.209C>T on transcript NM_022552.5 (MANE Select); coding-DNA position 209, C replaced by T.
Protein change: p.Ala70Val; replaces alanine 70 with valine.
Molecular consequence: missense variant. On other transcripts: non-coding transcript variant (1).
Genome position (GRCh38, 1-based): chr2:25,282,680, G>A on the plus strand (C>T on the coding strand, the complement: DNMT3A is on the minus strand). VCF-style: chr2-25282680-G-A. GRCh37 (hg19) VCF-style: chr2-25505549-G-A.
Other names: c.209C>T, p.Ala70Val (NM_001320892.2, NM_175629.2, NM_175630.1); short protein forms A70V.
Identifiers: ClinVar variation 2155895 (VCV002155895.30), dbSNP rs746884153, ClinGen allele CA1556510.

ClinVar aggregate classification (germline): Conflicting classifications of pathogenicity. Review status: criteria provided, conflicting classifications (1 of 4 stars). 4 submissions from 4 submitters: Uncertain significance (3); Likely benign (1). Last evaluated 2026-04-08.

Conditions:
DNMT3A-related disorder. Also called: DNMT3A-related disorders; DNMT3A-related condition.
Tatton-Brown-Rahman overgrowth syndrome. Also called: Tatton-Brown-Rahman syndrome; Tall stature-intellectual disability-facial dysmorphism syndrome. Identifiers: Orphanet 404443, MedGen C4014545, MONDO:0014382, OMIM 615879.

Allele frequency attached by ClinVar (database versions not stated): ExAC 0.00002; gnomAD 0.00002; TOPMed 0.00003.
gnomAD v4.1: 32 of 1,560,820 alleles (0.0021%); highest among the groups gnomAD compares: Non-Finnish European, 0.0027%; no homozygotes.

Submissions (4):

PreventionGenetics, part of Exact Sciences
Classification: Uncertain significance for DNMT3A-related condition. Last evaluated: 2026-04-08. Review status: criteria provided, single submitter. Criteria: ACMG Guidelines, 2015. Collection method: clinical testing. Allele origin: germline.
Comment: The DNMT3A c.209C>T variant is predicted to result in the amino acid substitution p.Ala70Val. To our knowledge, this variant has not been reported in the literature. This variant is reported in 0.0060% of alleles in individuals of European (Non-Finnish) descent in gnomAD, which is likely too common to be the primary cause of disease. Although we suspect that this variant may be benign, at this time the clinical significance is uncertain due to the absence of conclusive functional and genetic evidence.

Labcorp Genetics (formerly Invitae), Labcorp
Classification: Uncertain significance for Tatton-Brown-Rahman overgrowth syndrome. Last evaluated: 2025-10-16. Review status: criteria provided, single submitter. Criteria: Invitae Variant Classification Sherloc (09022015). Collection method: clinical testing. Allele origin: germline.
Comment: This sequence change replaces alanine, which is neutral and non-polar, with valine, which is neutral and non-polar, at codon 70 of the DNMT3A protein (p.Ala70Val). This variant is present in population databases (rs746884153, gnomAD 0.006%). This variant has not been reported in the literature in individuals affected with DNMT3A-related conditions. ClinVar contains an entry for this variant (Variation ID: 2155895). Invitae Evidence Modeling of protein sequence and biophysical properties (such as structural, functional, and spatial information, amino acid conservation, physicochemical variation, residue mobility, and thermodynamic stability) indicates that this missense variant is not expected to disrupt DNMT3A protein function with a negative predictive value of 95%. In summary, the available evidence is currently insufficient to determine the role of this variant in disease. Therefore, it has been classified as a Variant of Uncertain Significance.

Blueprint Genetics
Classification: Likely benign. Last evaluated: 2024-10-15. Review status: criteria provided, single submitter. Criteria: ACMG Guidelines, 2015. Collection method: clinical testing. Allele origin: germline.

CeGaT Center for Human Genetics Tuebingen
Classification: Uncertain significance. Last evaluated: 2023-02-01. Review status: criteria provided, single submitter. Criteria: CeGaT Center For Human Genetics Tuebingen Variant Classification Criteria Version 2. Collection method: clinical testing. Allele origin: germline. Affected: yes. Observed: 1 variant allele.
Comment: DNMT3A: PP2